The following is an entry in ClinVar:

ClinVar aggregate classification (germline): Uncertain significance. Review status: criteria provided, multiple submitters, no conflicts (2 of 4 stars). 3 submissions from 3 submitters: Uncertain significance (3). Last evaluated 2022-09-01.

Conditions:
Osteoarthritis susceptibility 2 (OS2). Identifiers: MedGen C3887526, MONDO:0007704, OMIM 140600.

Allele frequency attached by ClinVar (database versions not stated): gnomAD exomes 0.00001; gnomAD 0.00004; TOPMed 0.00013.
gnomAD v4.1: 14 of 1,613,896 alleles (0.00087%); highest among the groups gnomAD compares: Admixed American, 0.015%; no homozygotes.

Submissions (3):

Labcorp Genetics (formerly Invitae), Labcorp
Classification: Uncertain significance. Last evaluated: 2022-09-01. Review status: criteria provided, single submitter. Criteria: Invitae Variant Classification Sherloc (09022015). Collection method: clinical testing. Allele origin: germline.
Comment: In summary, the available evidence is currently insufficient to determine the role of this variant in disease. Therefore, it has been classified as a Variant of Uncertain Significance. Algorithms developed to predict the effect of missense changes on protein structure and function (SIFT, PolyPhen-2, Align-GVGD) all suggest that this variant is likely to be tolerated. ClinVar contains an entry for this variant (Variation ID: 930909). This variant has not been reported in the literature in individuals affected with MATN3-related conditions. This variant is not present in population databases (gnomAD no frequency). This sequence change replaces glutamic acid, which is acidic and polar, with lysine, which is basic and polar, at codon 290 of the MATN3 protein (p.Glu290Lys).

GeneDx
Classification: Uncertain significance. Last evaluated: 2020-01-16. Review status: criteria provided, single submitter. Criteria: GeneDx Variant Classification Process June 2021. Collection method: clinical testing. Allele origin: germline. Affected: yes.
Comment: Not observed at a significant frequency in large population cohorts (Lek et al., 2016); In silico analysis, which includes protein predictors and evolutionary conservation, supports that this variant does not alter protein structure/function; Has not been previously published as pathogenic or benign to our knowledge

Centre for Mendelian Genomics, University Medical Centre Ljubljana
Classification: Uncertain significance for Osteoarthritis susceptibility 2. Last evaluated: 2018-10-05. Review status: criteria provided, single submitter. Criteria: ACMG Guidelines, 2015. Collection method: clinical testing. Allele origin: unknown. Affected: yes.
Comment: This variant was classified as: Uncertain significance. The available evidence on this variant's pathogenicity is insufficient or conflicting. The following ACMG criteria were applied in classifying this variant: PM2,BP4.

NM_002381.5(MATN3):c.868G>A (p.Glu290Lys)

Genes: WDR35-DT (WDR35 divergent transcript; plus strand), MATN3 (matrilin 3; minus strand). Cytogenetic location: 2p24.1.
Variant type: single nucleotide variant.
Coding change: c.868G>A on transcript NM_002381.5 (MANE Select); coding-DNA position 868, G replaced by A.
Protein change: p.Glu290Lys; replaces glutamic acid 290 with lysine.
Molecular consequence: missense variant.
Genome position (GRCh38, 1-based): chr2:20,003,209, C>T on the plus strand (G>A on the coding strand, the complement: MATN3 is on the minus strand). VCF-style: chr2-20003209-C-T. GRCh37 (hg19) VCF-style: chr2-20202970-C-T.
Other names: short protein forms E290K.
Identifiers: ClinVar variation 930909 (VCV000930909.9), dbSNP rs1027447274, ClinGen allele CA43401434.
Genomic context (GRCh38, chr2:20,003,209, plus strand): 5'-CACAGGCCTCACCTGAACACGTTTTCTTGTCGGCATTCAAGGTGTATCCTTGGCTACACT[C>T]ACAGTGGTGCTTGCCTTCCCCATCACTGATGCAGACGTGCTGGCACTGGTGTGTTCCAAG-3'
Protein context (NP_002372.1, residues 280-300): ISDGEGKHHC[Glu290Lys]CSQGYTLNAD